The following is an entry in ClinVar:

ClinVar aggregate classification (germline): Uncertain significance. Review status: criteria provided, multiple submitters, no conflicts (2 of 4 stars). 10 submissions from 10 submitters: Uncertain significance (9). 1 of the submissions does not count toward it. Last evaluated 2025-06-19.

Conditions:
Hereditary cancer-predisposing syndrome. Also called: Hereditary neoplastic syndrome; Tumor predisposition; Hereditary Cancer Syndrome; Neoplastic Syndromes, Hereditary. Identifiers: Orphanet 140162, MedGen C0027672, MeSH D009386, MONDO:0015356.
Bloom syndrome (BLM). Also called: Bloom-Torre-Machacek syndrome. Identifiers: Orphanet 125, MedGen C0005859, MONDO:0008876, OMIM 210900.

Allele frequency attached by ClinVar (database versions not stated): TOPMed 0.00002; gnomAD 0.00001 and 0.00002; gnomAD exomes 0.00002; ExAC 0.00004.
gnomAD v4.1: 39 of 1,613,792 alleles (0.0024%); highest among the groups gnomAD compares: Middle Eastern, 0.016%; no homozygotes.

Submissions (10):

Dasa
Classification: Uncertain significance. Last evaluated: 2025-06-19. Review status: criteria provided, single submitter. Criteria: DASA Assertion Criteria. Collection method: clinical testing. Allele origin: germline.
Comment: NM_000057.4(BLM):c.2474C>T (p.Pro825Leu) is a missense variant that results in the substitution of proline with leucine. Published studies describe this variant in association with related phenotype (PMID: 28944238; PMID: 31514334; PMID: 30523343). Also, this variant is rare in population databases. Computational prediction algorithms are consistent with a benign effect. The currently available literature and clinical evidence are not sufficient to establish a definitive association between this variant and the reported condition. Therefore, this variant is classified as a variant of uncertain significance.

Quest Diagnostics Nichols Institute San Juan Capistrano
Classification: Uncertain significance. Last evaluated: 2025-05-15. Review status: criteria provided, single submitter. Criteria: Quest Diagnostics criteria. Collection method: clinical testing. Allele origin: unknown.
Comment: The BLM c.2474C>T (p.Pro825Leu) variant has been reported in the published literature in individuals with breast cancer (PMID: 35264596 (2022), 36230663 (2022)), colorectal cancer (PMID: 28944238 (2017)), and diffuse gastric cancer (PMID: 31514334 (2019)). The frequency of this variant in the general population (Genome Aggregation Database) is uninformative in the assessment of its pathogenicity. Analysis of this variant using bioinformatics tools for the prediction of the effect of amino acid changes on protein structure and function yielded predictions that this variant is damaging. Based on the available information, we are unable to determine the clinical significance of this variant.

Labcorp Genetics (formerly Invitae), Labcorp
Classification: Uncertain significance for Bloom syndrome. Last evaluated: 2025-01-21. Review status: criteria provided, single submitter. Criteria: Invitae Variant Classification Sherloc (09022015). Collection method: clinical testing. Allele origin: germline.
Comment: This sequence change replaces proline, which is neutral and non-polar, with leucine, which is neutral and non-polar, at codon 825 of the BLM protein (p.Pro825Leu). This variant is present in population databases (rs749632465, gnomAD 0.004%). This variant has not been reported in the literature in individuals affected with BLM-related conditions. ClinVar contains an entry for this variant (Variation ID: 405283). Invitae Evidence Modeling of protein sequence and biophysical properties (such as structural, functional, and spatial information, amino acid conservation, physicochemical variation, residue mobility, and thermodynamic stability) indicates that this missense variant is not expected to disrupt BLM protein function with a negative predictive value of 80%. In summary, the available evidence is currently insufficient to determine the role of this variant in disease. Therefore, it has been classified as a Variant of Uncertain Significance.

Women's Health and Genetics/Laboratory Corporation of America, LabCorp
Classification: Uncertain significance. Last evaluated: 2025-01-13. Review status: criteria provided, single submitter. Criteria: LabCorp Variant Classification Summary - May 2015. Collection method: clinical testing. Allele origin: germline.
Comment: Variant summary: BLM c.2474C>T (p.Pro825Leu) results in a non-conservative amino acid change located in the Helicase superfamily 1/2, ATP-binding domain (IPR014001) of the encoded protein sequence. Four of five in-silico tools predict a damaging effect of the variant on protein function. The variant allele was found at a frequency of 2.4e-05 in 251430 control chromosomes (gnomAD). The available data on variant occurrences in the general population are insufficient to allow any conclusion about variant significance. c.2474C>T has been reported in the literature in individuals affected with diffuse-type gastric cancer or breast cancer (Tedaldi_2019, Guindalini_2022). These reports do not provide unequivocal conclusions about association of the variant with Bloom Syndrome. To our knowledge, no experimental evidence demonstrating an impact on protein function has been reported. The following publications have been ascertained in the context of this evaluation (PMID: 35264596, 36230663, 31514334). ClinVar contains an entry for this variant (Variation ID: 405283). Based on the evidence outlined above, the variant was classified as uncertain significance.

Ambry Genetics
Classification: Uncertain significance for Hereditary cancer-predisposing syndrome. Last evaluated: 2024-06-03. Review status: criteria provided, single submitter. Criteria: Ambry Variant Classification Scheme 2023. Collection method: clinical testing. Allele origin: germline.
Comment: The p.P825L variant (also known as c.2474C>T), located in coding exon 11 of the BLM gene, results from a C to T substitution at nucleotide position 2474. The proline at codon 825 is replaced by leucine, an amino acid with similar properties. In one study, this alteration was detected in 1/1231 colorectal cancer patients and 0/93 controls (DeRycke MS et al. Mol Genet Genomic Med, 2017 Sep;5:553-569). This amino acid position is well conserved in available vertebrate species. In addition, the in silico prediction for this alteration is inconclusive. Since supporting evidence is limited at this time, the clinical significance of this alteration remains unclear.

GeneDx
Classification: Uncertain significance. Last evaluated: 2022-11-10. Review status: criteria provided, single submitter. Criteria: GeneDx Variant Classification Process June 2021. Collection method: clinical testing. Allele origin: germline. Affected: yes.
Comment: Not observed at significant frequency in large population cohorts (gnomAD); In silico analysis supports that this missense variant has a deleterious effect on protein structure/function; Observed in individuals with primary ovarian insufficiency (Gorsi et al., 2021); This variant is associated with the following publications: (PMID: 32704157, 34718612)

Genome-Nilou Lab
Classification: Uncertain significance for Bloom syndrome. Last evaluated: 2021-07-14. Review status: criteria provided, single submitter. Criteria: ACMG Guidelines, 2015. Collection method: clinical testing. Allele origin: germline. Affected: no.

Genetic Services Laboratory, University of Chicago
Classification: Uncertain significance. Last evaluated: 2019-12-05. Review status: criteria provided, single submitter. Criteria: ACMG Guidelines, 2015. Collection method: clinical testing. Allele origin: germline. Affected: no.

Mendelics
Classification: Uncertain significance for Bloom syndrome. Last evaluated: 2018-07-02. Review status: criteria provided, single submitter. Criteria: Mendelics Assertion Criteria 2017. Collection method: clinical testing. Allele origin: unknown.

Natera, Inc.
Classification: Uncertain significance for Bloom syndrome. Last evaluated: 2017-11-16. Review status: no assertion criteria provided. Collection method: clinical testing. Allele origin: germline. Not counted in ClinVar's aggregate classification.

Literature cited by the submitters: PubMed 28944238 (cited by 3 submitters); PubMed 31514334 (cited by 3 submitters); PubMed 30523343 (cited by Dasa); PubMed 35264596 (cited by Quest Diagnostics Nichols Institute San Juan Capistrano and Women's Health and Genetics/Laboratory Corporation of America, LabCorp); PubMed 34718612 (cited by Quest Diagnostics Nichols Institute San Juan Capistrano); PubMed 36230663 (cited by Quest Diagnostics Nichols Institute San Juan Capistrano and Women's Health and Genetics/Laboratory Corporation of America, LabCorp).

NM_000057.4(BLM):c.2474C>T (p.Pro825Leu)

Gene: BLM (BLM RecQ like helicase; plus strand). Cytogenetic location: 15q26.1.
Variant type: single nucleotide variant.
Coding change: c.2474C>T on transcript NM_000057.4 (MANE Select); coding-DNA position 2474, C replaced by T.
Protein change: p.Pro825Leu; replaces proline 825 with leucine.
Molecular consequence: missense variant.
Genome position (GRCh38, 1-based): chr15:90,769,505, C>T. VCF-style: chr15-90769505-C-T. GRCh37 (hg19) VCF-style: chr15-91312735-C-T.
Other names: c.2474C>T, p.Pro825Leu (NM_001287246.2, NM_001287247.2); c.1349C>T, p.Pro450Leu (NM_001287248.2); short protein forms P825L, P450L.
Identifiers: ClinVar variation 405283 (VCV000405283.33), dbSNP rs749632465, ClinGen allele CA7738784.